The following is an entry in ClinVar:

ClinVar aggregate classification (germline): Benign/Likely benign. Review status: criteria provided, multiple submitters, no conflicts (2 of 4 stars). 4 submissions from 3 submitters: Benign (2); Likely benign (2). Last evaluated 2021-05-16.

Conditions:
Susceptibility to mononeuropathy of the median nerve, mild. Also called: CARPAL TUNNEL SYNDROME, SUSCEPTIBILITY TO. Identifiers: MedGen C3150596, MONDO:0013237, OMIM 613353.
Charcot-Marie-Tooth disease type 4C (CMT4C). Also called: CHARCOT-MARIE-TOOTH DISEASE, DEMYELINATING, AUTOSOMAL RECESSIVE, TYPE 4C; CMT 4C; Charcot-Marie-Tooth Neuropathy Type 4C (CMT4C); CHARCOT-MARIE-TOOTH DISEASE, DEMYELINATING, TYPE 4C; SH3TC2-Related Hereditary Motor and Sensory Neuropathy. Identifiers: Orphanet 99949, MedGen C1866636, MONDO:0011113, OMIM 601596.

Allele frequency attached by ClinVar (database versions not stated): gnomAD exomes 0.00207; gnomAD 0.03078 and 0.03264; TOPMed 0.04513; 1000 Genomes Project 0.05511; 1000 Genomes Project 30x 0.05653.

Submissions (4):

GeneDx
Classification: Likely benign. Last evaluated: 2021-05-16. Review status: criteria provided, single submitter. Criteria: GeneDx Variant Classification Process June 2021. Collection method: clinical testing. Allele origin: germline. Affected: yes.

Illumina Laboratory Services, Illumina
Classification: Benign for Charcot-Marie-Tooth disease type 4C. Last evaluated: 2018-01-13. Review status: criteria provided, single submitter. Criteria: ICSL Variant Classification Criteria 13 December 2019. Collection method: clinical testing. Allele origin: germline.
Comment: This variant was observed in the ICSL laboratory as part of a predisposition screen in an ostensibly healthy population. It had not been previously curated by ICSL or reported in the Human Gene Mutation Database (HGMD: prior to June 1st, 2018), and was therefore a candidate for classification through an automated scoring system. Utilizing variant allele frequency, disease prevalence and penetrance estimates, and inheritance mode, an automated score was calculated to assess if this variant is too frequent to cause the disease. Based on the score and internal cut-off values, a variant classified as benign is not then subjected to further curation. The score for this variant resulted in a classification of benign for this disease.

Illumina Laboratory Services, Illumina
Classification: Benign for Susceptibility to mononeuropathy of the median nerve, mild. Last evaluated: 2018-01-13. Review status: criteria provided, single submitter. Criteria: ICSL Variant Classification Criteria 13 December 2019. Collection method: clinical testing. Allele origin: germline.
Comment: the same text as in the submission from Illumina Laboratory Services, Illumina above.

Breakthrough Genomics
Classification: Likely benign. Review status: criteria provided, single submitter. Criteria: ACMG Guidelines, 2015. Collection method: not provided. Allele origin: germline. Inheritance: Autosomal recessive inheritance. Affected: yes.

NM_024577.4(SH3TC2):c.*2428C>T

Gene: SH3TC2 (SH3 domain and tetratricopeptide repeats 2; minus strand). Cytogenetic location: 5q32.
Variant type: single nucleotide variant.
Coding change: c.*2428C>T on transcript NM_024577.4 (MANE Select); 2428 bases downstream of the stop codon, C replaced by T.
Molecular consequence: 3 prime UTR variant.
Genome position (GRCh38, 1-based): chr5:149,002,283, G>A on the plus strand (C>T on the coding strand, the complement: SH3TC2 is on the minus strand). VCF-style: chr5-149002283-G-A. GRCh37 (hg19) VCF-style: chr5-148381846-G-A.
Identifiers: ClinVar variation 351853 (VCV000351853.7), dbSNP rs149384180, ClinGen allele CA10623498.